The following is an entry in ClinVar:

NM_006766.5(KAT6A):c.1736T>G (p.Phe579Cys)

Gene: KAT6A (lysine acetyltransferase 6A; minus strand). Cytogenetic location: 8p11.21.
Variant type: single nucleotide variant.
Coding change: c.1736T>G on transcript NM_006766.5 (MANE Select); coding-DNA position 1736, T replaced by G.
Protein change: p.Phe579Cys; replaces phenylalanine 579 with cysteine.
Molecular consequence: missense variant.
Genome position (GRCh38, 1-based): chr8:41,949,226, A>C on the plus strand (T>G on the coding strand, the complement: KAT6A is on the minus strand). VCF-style: chr8-41949226-A-C. GRCh37 (hg19) VCF-style: chr8-41806744-A-C.
Other names: c.1736T>G, p.Phe579Cys (NM_001305878.2); short protein forms F579C.
Identifiers: ClinVar variation 1676105 (VCV001676105.33), dbSNP rs2150867525, ClinGen allele CA371074136.
Genomic context (GRCh38, chr8:41,949,226, plus strand): 5'-TAGGTGGCCCTACTTATGAAATGGATGAGAGGACAATTACTAAGTATCTACCTTACCTCA[A>C]AGACAGAAATATTATTCTTTCTGTAAATCTCATTGGCAGGAGGATGGAACCAACCACATT-3'
Protein context (NP_006757.2, residues 569-589): EIYRKNNISV[Phe579Cys]EVDGNVSTIY

ClinVar aggregate classification (germline): Uncertain significance. Review status: criteria provided, multiple submitters, no conflicts (2 of 4 stars). 2 submissions from 2 submitters: Uncertain significance (2). Last evaluated 2025-06-17.

Conditions:
Absent or delayed speech development. Identifiers: MedGen C3276611.
Borderline microcephaly. Identifiers: MedGen CN232348.
Developmental delay. Also called: Delayed development. Identifiers: MedGen C0424605.

Submissions (2):

Clinical Genetics Laboratory, Skane University Hospital Lund
Classification: Uncertain significance for Developmental delay; Borderline microcephaly; Absent or delayed speech development. Last evaluated: 2025-06-17. Review status: criteria provided, single submitter. Criteria: ACMG Guidelines, 2015. Collection method: clinical testing. Allele origin: germline. Inheritance: Autosomal dominant inheritance. Affected: yes.
Comment: ACMG criteria used: PM2, PP3.

CeGaT Center for Human Genetics Tuebingen
Classification: Uncertain significance. Last evaluated: 2025-06-01. Review status: criteria provided, single submitter. Criteria: CeGaT Center For Human Genetics Tuebingen Variant Classification Criteria Version 2. Collection method: clinical testing. Allele origin: germline. Affected: yes. Observed: 2 variant alleles.
Comment: KAT6A: PM2, PP2, PP3